The following is an entry in ClinVar:

ClinVar aggregate classification (germline): Uncertain significance. Review status: criteria provided, multiple submitters, no conflicts (2 of 4 stars). 3 submissions from 3 submitters: Uncertain significance (3). Last evaluated 2025-05-18.

Conditions:
Inborn genetic diseases. Identifiers: MedGen C0950123, MeSH D030342.

Allele frequency attached by ClinVar (database versions not stated): ExAC 0.00002; gnomAD exomes 0.00003; gnomAD 0.00004 and 0.00006; TOPMed 0.00004; ESP Exome Variant Server 0.00008.
gnomAD v4.1: 52 of 1,614,206 alleles (0.0032%); highest among the groups gnomAD compares: African/African-American, 0.008%; no homozygotes.

Submissions (3):

Ambry Genetics
Classification: Uncertain significance for Inborn genetic diseases. Last evaluated: 2025-05-18. Review status: criteria provided, single submitter. Criteria: Ambry Variant Classification Scheme 2023. Collection method: clinical testing. Allele origin: germline.

Blueprint Genetics
Classification: Uncertain significance. Last evaluated: 2024-09-25. Review status: criteria provided, single submitter. Criteria: ACMG Guidelines, 2015. Collection method: clinical testing. Allele origin: germline.

Labcorp Genetics (formerly Invitae), Labcorp
Classification: Uncertain significance. Last evaluated: 2022-07-06. Review status: criteria provided, single submitter. Criteria: Invitae Variant Classification Sherloc (09022015). Collection method: clinical testing. Allele origin: germline.
Comment: This sequence change replaces arginine, which is basic and polar, with serine, which is neutral and polar, at codon 247 of the ADAMTS18 protein (p.Arg247Ser). This variant is present in population databases (rs138436194, gnomAD 0.006%). This variant has not been reported in the literature in individuals affected with ADAMTS18-related conditions. ClinVar contains an entry for this variant (Variation ID: 848947). Algorithms developed to predict the effect of missense changes on protein structure and function are either unavailable or do not agree on the potential impact of this missense change (SIFT: "Not Available"; PolyPhen-2: "Benign"; Align-GVGD: "Not Available"). In summary, the available evidence is currently insufficient to determine the role of this variant in disease. Therefore, it has been classified as a Variant of Uncertain Significance.

NM_199355.4(ADAMTS18):c.741G>T (p.Arg247Ser)

Gene: ADAMTS18 (ADAM metallopeptidase with thrombospondin type 1 motif 18; minus strand). Cytogenetic location: 16q23.1.
Variant type: single nucleotide variant.
Coding change: c.741G>T on transcript NM_199355.4 (MANE Select); coding-DNA position 741, G replaced by T.
Protein change: p.Arg247Ser; replaces arginine 247 with serine.
Molecular consequence: missense variant.
Genome position (GRCh38, 1-based): chr16:77,367,478, C>A on the plus strand (G>T on the coding strand, the complement: ADAMTS18 is on the minus strand). VCF-style: chr16-77367478-C-A. GRCh37 (hg19) VCF-style: chr16-77401375-C-A.
Other names: c.221G>T, p.Gly74Val (NM_001326358.2); c.741G>T (NM_199355.2); short protein forms R247S, G74V.
Identifiers: ClinVar variation 848947 (VCV000848947.10), dbSNP rs138436194, ClinGen allele CA8181575.